The following is an entry in ClinVar:

ClinVar aggregate classification (germline): Likely benign. Review status: criteria provided, single submitter (1 of 4 stars). 3 submissions from 3 submitters: Likely benign (1). 2 of the submissions do not count toward it. Last evaluated 2025-12-15.

Conditions:
PHGDH deficiency. Identifiers: Orphanet 79351, MedGen C1866174, MONDO:0011152, OMIM 601815.
PHGDH-related disorder. Also called: PHGDH-related condition.

Allele frequency attached by ClinVar (database versions not stated): gnomAD 0.00002; gnomAD exomes 0.00004; TOPMed 0.00006; 1000 Genomes Project 30x 0.00047; 1000 Genomes Project 0.00060.
gnomAD v4.1: 68 of 1,613,598 alleles (0.0042%); highest among the groups gnomAD compares: East Asian, 0.15%; no homozygotes.

Submissions (3):

Labcorp Genetics (formerly Invitae), Labcorp
Classification: Likely benign for PHGDH deficiency. Last evaluated: 2025-12-15. Review status: criteria provided, single submitter. Criteria: Invitae Variant Classification Sherloc (09022015). Collection method: clinical testing. Allele origin: germline.

Natera, Inc.
Classification: Likely benign for Phosphoglycerate dehydrogenase deficiency. Last evaluated: 2020-01-08. Review status: no assertion criteria provided. Collection method: clinical testing. Allele origin: germline. Not counted in ClinVar's aggregate classification.

PreventionGenetics, part of Exact Sciences
Classification: Likely benign for PHGDH-related condition. Last evaluated: 2019-09-09. Review status: no assertion criteria provided. Collection method: clinical testing. Allele origin: germline. Not counted in ClinVar's aggregate classification.
Comment: This variant is classified as likely benign based on ACMG/AMP sequence variant interpretation guidelines (Richards et al. 2015 PMID: 25741868, with internal and published modifications).

NM_006623.4(PHGDH):c.1149C>T (p.Ser383=)

Gene: PHGDH (phosphoglycerate dehydrogenase; plus strand). Cytogenetic location: 1p12.
Variant type: single nucleotide variant.
Coding change: c.1149C>T on transcript NM_006623.4 (MANE Select); coding-DNA position 1149, C replaced by T.
Protein change: p.Ser383=; no amino-acid change (serine 383 retained).
Molecular consequence: synonymous variant.
Genome position (GRCh38, 1-based): chr1:119,741,837, C>T. VCF-style: chr1-119741837-C-T. GRCh37 (hg19) VCF-style: chr1-120284460-C-T.
Identifiers: ClinVar variation 761744 (VCV000761744.12), dbSNP rs145449458, ClinGen allele CA1037375.
Genomic context (GRCh38, chr1:119,741,837, plus strand): 5'-GAAGAATGCTGGGAACTGCCTAAGCCCCGCAGTCATTGTCGGCCTCCTGAAAGAGGCTTC[C>T]AAGCAGGCGGATGTGAACTTGGTGAACGCTAAGCTGCTGGTGAAAGAGGCTGGCCTCAAT-3'
Protein context (NP_006614.2, residues 373-393): AVIVGLLKEA[Ser383=]KQADVNLVNA